The following is an entry in ClinVar:

ClinVar aggregate classification (germline): Uncertain significance. Review status: criteria provided, multiple submitters, no conflicts (2 of 4 stars). 2 submissions from 2 submitters: Uncertain significance (2). Last evaluated 2024-04-05.

Allele frequency attached by ClinVar (database versions not stated): gnomAD exomes 0.00001; gnomAD 0.00003 and 0.00004; TOPMed 0.00003; ESP Exome Variant Server 0.00008.
gnomAD v4.1: 26 of 1,614,026 alleles (0.0016%); highest among the groups gnomAD compares: African/African-American, 0.0027%; no homozygotes.

Submissions (2):

Labcorp Genetics (formerly Invitae), Labcorp
Classification: Uncertain significance. Last evaluated: 2024-04-05. Review status: criteria provided, single submitter. Criteria: Invitae Variant Classification Sherloc (09022015). Collection method: clinical testing. Allele origin: germline.
Comment: This sequence change replaces arginine, which is basic and polar, with glutamine, which is neutral and polar, at codon 111 of the SLC7A14 protein (p.Arg111Gln). This variant is present in population databases (rs377049341, gnomAD 0.01%). This variant has not been reported in the literature in individuals affected with SLC7A14-related conditions. ClinVar contains an entry for this variant (Variation ID: 1367487). An algorithm developed to predict the effect of missense changes on protein structure and function (PolyPhen-2) suggests that this variant is likely to be disruptive. In summary, the available evidence is currently insufficient to determine the role of this variant in disease. Therefore, it has been classified as a Variant of Uncertain Significance.

Blueprint Genetics
Classification: Uncertain significance. Last evaluated: 2023-09-20. Review status: criteria provided, single submitter. Criteria: ACMG Guidelines, 2015. Collection method: clinical testing. Allele origin: germline.

NM_020949.3(SLC7A14):c.332G>A (p.Arg111Gln)

Genes: SLC7A14 (solute carrier family 7 member 14; minus strand), SLC7A14-AS1 (SLC7A14 antisense RNA 1; plus strand). Cytogenetic location: 3q26.2.
Variant type: single nucleotide variant.
Coding change: c.332G>A on transcript NM_020949.3 (MANE Select); coding-DNA position 332, G replaced by A.
Protein change: p.Arg111Gln; replaces arginine 111 with glutamine.
Molecular consequence: missense variant.
Genome position (GRCh38, 1-based): chr3:170,501,318, C>T on the plus strand (G>A on the coding strand, the complement: SLC7A14 is on the minus strand). VCF-style: chr3-170501318-C-T. GRCh37 (hg19) VCF-style: chr3-170219107-C-T.
Other names: short protein forms R111Q.
Identifiers: ClinVar variation 1367487 (VCV001367487.7), dbSNP rs377049341, ClinGen allele CA88021058.
Genomic context (GRCh38, chr3:170,501,318, plus strand): 5'-ACAAATTCCCCAACAGTGACATAGCTGTAGGTGTAGGCAGATCCTGTGGTCTTGGGGACT[C>T]GAACTCCAAACTCTGCATAGCAGACGCCTGCAAGGGACAGACATACACAGATGGTGGACT-3'
Protein context (NP_066000.2, residues 101-121): SGVCYAEFGV[Arg111Gln]VPKTTGSAYT